The following is an entry in ClinVar:

ClinVar aggregate classification (germline): Conflicting classifications of pathogenicity. Review status: criteria provided, conflicting classifications (1 of 4 stars). 4 submissions from 4 submitters: Uncertain significance (3); Likely benign (1). Last evaluated 2025-10-08.

Conditions:
Cardiovascular phenotype. Identifiers: MedGen CN230736.
Primary dilated cardiomyopathy (DCM). Also called: Dilated Cardiomyopathy. Identifiers: Orphanet 217604, MedGen C0007193, MeSH D002311, MONDO:0005021, HP:0001644. Inheritance: Various modes of inheritance.
Glucocorticoid deficiency 5. Identifiers: MedGen C4540522, MONDO:0040502, OMIM 617825.

Allele frequency attached by ClinVar (database versions not stated): gnomAD exomes 0.00002 and 0.00004; ExAC 0.00004; gnomAD 0.00012 and 0.00014; ESP Exome Variant Server 0.00016; TOPMed 0.00016.

Submissions (4):

Labcorp Genetics (formerly Invitae), Labcorp
Classification: Uncertain significance for Primary dilated cardiomyopathy. Last evaluated: 2025-10-08. Review status: criteria provided, single submitter. Criteria: Invitae Variant Classification Sherloc (09022015). Collection method: clinical testing. Allele origin: germline.
Comment: This sequence change replaces arginine, which is basic and polar, with tryptophan, which is neutral and slightly polar, at codon 346 of the TXNRD2 protein (p.Arg346Trp). This variant is present in population databases (rs61736941, gnomAD 0.03%). This missense change has been observed in individual(s) with dilated cardiomyopathy (PMID: 28416588). ClinVar contains an entry for this variant (Variation ID: 1211079). Invitae Evidence Modeling of protein sequence and biophysical properties (such as structural, functional, and spatial information, amino acid conservation, physicochemical variation, residue mobility, and thermodynamic stability) indicates that this missense variant is not expected to disrupt TXNRD2 protein function with a negative predictive value of 80%. In summary, the available evidence is currently insufficient to determine the role of this variant in disease. Therefore, it has been classified as a Variant of Uncertain Significance.

Ambry Genetics
Classification: Likely benign for Cardiovascular phenotype. Last evaluated: 2023-11-27. Review status: criteria provided, single submitter. Criteria: Ambry Variant Classification Scheme 2023. Collection method: clinical testing. Allele origin: germline.

Fulgent Genetics
Classification: Uncertain significance for Glucocorticoid deficiency 5. Last evaluated: 2021-10-06. Review status: criteria provided, single submitter. Criteria: ACMG Guidelines, 2015. Collection method: clinical testing. Allele origin: unknown.

GeneDx
Classification: Uncertain significance. Last evaluated: 2020-10-19. Review status: criteria provided, single submitter. Criteria: GeneDx Variant Classification Process June 2021. Collection method: clinical testing. Allele origin: germline. Affected: yes.
Comment: Reported in a patient with dilated cardiomyopathy (Dal Ferro et al., 2017); In silico analysis, which includes protein predictors and evolutionary conservation, supports that this variant does not alter protein structure/function; This variant is associated with the following publications: (PMID: 28416588)

Literature cited by the submitters: PubMed 28416588 (cited by Labcorp Genetics (formerly Invitae), Labcorp and Ambry Genetics).

NM_006440.5(TXNRD2):c.1036C>T (p.Arg346Trp)

Gene: TXNRD2 (thioredoxin reductase 2; minus strand). Cytogenetic location: 22q11.21.
Variant type: single nucleotide variant.
Coding change: c.1036C>T on transcript NM_006440.5 (MANE Select); coding-DNA position 1036, C replaced by T.
Protein change: p.Arg346Trp; replaces arginine 346 with tryptophan.
Molecular consequence: missense variant. On other transcripts: non-coding transcript variant (1).
Genome position (GRCh38, 1-based): chr22:19,883,375, G>A on the plus strand (C>T on the coding strand, the complement: TXNRD2 is on the minus strand). VCF-style: chr22-19883375-G-A. GRCh37 (hg19) VCF-style: chr22-19870898-G-A.
Other names: c.1033C>T, p.Arg345Trp (NM_001352300.2); c.946C>T, p.Arg316Trp (NM_001352301.2); c.748C>T, p.Arg250Trp (NM_001352302.2); short protein forms R250W, R316W, R345W, R346W.
Identifiers: ClinVar variation 1211079 (VCV001211079.12), dbSNP rs61736941, ClinGen allele CA10103857.
Genomic context (GRCh38, chr22:19,883,375, plus strand): 5'-CATGCCGTACCTCCACCACGTCACCAATGGCGTAGATGTGGGGCACAGAGGTGGCTTCCC[G>A]GGAGTCCACCAGGATCTTCTGAGTGTCGGGGCTAGTATCTACCCCAGCCTTCTCCAAATT-3'
Protein context (NP_006431.2, residues 336-356): PDTQKILVDS[Arg346Trp]EATSVPHIYA